The following is an entry in ClinVar:

ClinVar aggregate classification (germline): Pathogenic (1 of 4 stars; one submission).

Conditions:
Primary ciliary dyskinesia. Also called: Ciliary dyskinesia. Identifiers: Orphanet 244, MedGen C0008780, MONDO:0016575, HP:0012265.

Submission:

Labcorp Genetics (formerly Invitae), Labcorp
Classification: Pathogenic for Primary ciliary dyskinesia. Last evaluated: 2024-01-05. Review status: criteria provided, single submitter. Criteria: Invitae Variant Classification Sherloc (09022015). Collection method: clinical testing. Allele origin: germline.
Comment: This sequence change creates a premature translational stop signal (p.Arg4469Lysfs*16) in the DNAH11 gene. While this is not anticipated to result in nonsense mediated decay, it is expected to disrupt the last 48 amino acid(s) of the DNAH11 protein. This variant is not present in population databases (gnomAD no frequency). This variant has not been reported in the literature in individuals affected with DNAH11-related conditions. This variant disrupts a region of the DNAH11 protein in which other variant(s) (p.Trp4505Serfs*10) have been determined to be pathogenic (Invitae). This suggests that this is a clinically significant region of the protein, and that variants that disrupt it are likely to be disease-causing. For these reasons, this variant has been classified as Pathogenic.

NM_001277115.2(DNAH11):c.13406_13409del (p.Arg4469fs)

Genes: CDCA7L (cell division cycle associated 7 like; minus strand), DNAH11 (dynein axonemal heavy chain 11; plus strand). Cytogenetic location: 7p15.3.
Variant type: Microsatellite.
Coding change: c.13406_13409del on transcript NM_001277115.2 (MANE Select); coding-DNA positions 13406 to 13409, 4 bases deleted (GACA; older notation c.13406_13409delGACA).
Protein change: p.Arg4469fs; shifts the reading frame from arginine 4469.
Molecular consequence: frameshift variant. On other transcripts: 3 prime UTR variant (3).
Genome position (GRCh38, 1-based): chr7:21,901,109-21,901,112, GACA deleted; deleting any 4 consecutive bases within chr7:21,901,105-21,901,112 gives the same sequence; the c. name uses the placement nearest the transcript's 3' end. VCF-style (leftmost placement, unchanged base first): chr7-21901104-GGACA-G. GRCh37 (hg19) VCF-style: chr7-21940722-GGACA-G.
Other names: c.*1210TGTC[1] (NM_001127370.3, NM_001127371.3, NM_018719.5); short protein forms R4469fs.
Identifiers: ClinVar variation 2697453 (VCV002697453.3), dbSNP rs2534164388, ClinGen allele CA2681994400.